The following is an entry in ClinVar:

ClinVar aggregate classification (germline): Uncertain significance (1 of 4 stars; one submission).

Conditions:
Congenital factor V deficiency. Also called: Hereditary factor V deficiency disease; LABILE FACTOR DEFICIENCY; OWREN PARAHEMOPHILIA; PARAHEMOPHILIA. Identifiers: Orphanet 326, MedGen C0015499, MONDO:0009210, OMIM 227400.

gnomAD v4.1: 108 of 1,613,766 alleles (0.0067%); highest among the groups gnomAD compares: Admixed American, 0.032%; 1 homozygote.

Submission:

Labcorp Genetics (formerly Invitae), Labcorp
Classification: Uncertain significance for Congenital factor V deficiency. Last evaluated: 2024-10-10. Review status: criteria provided, single submitter. Criteria: Invitae Variant Classification Sherloc (09022015). Collection method: clinical testing. Allele origin: germline.
Comment: This sequence change replaces proline, which is neutral and non-polar, with arginine, which is basic and polar, at codon 670 of the F5 protein (p.Pro670Arg). This variant is present in population databases (rs141277663, gnomAD 0.03%). This variant has not been reported in the literature in individuals affected with F5-related conditions. Invitae Evidence Modeling of protein sequence and biophysical properties (such as structural, functional, and spatial information, amino acid conservation, physicochemical variation, residue mobility, and thermodynamic stability) indicates that this missense variant is not expected to disrupt F5 protein function with a negative predictive value of 80%. In summary, the available evidence is currently insufficient to determine the role of this variant in disease. Therefore, it has been classified as a Variant of Uncertain Significance.

NM_000130.5(F5):c.2009C>G (p.Pro670Arg)

Gene: F5 (coagulation factor V; minus strand). Cytogenetic location: 1q24.2.
Variant type: single nucleotide variant.
Coding change: c.2009C>G on transcript NM_000130.5 (MANE Select); coding-DNA position 2009, C replaced by G.
Protein change: p.Pro670Arg; replaces proline 670 with arginine.
Molecular consequence: missense variant.
Genome position (GRCh38, 1-based): chr1:169,543,081, G>C on the plus strand (C>G on the coding strand, the complement: F5 is on the minus strand). VCF-style: chr1-169543081-G-C. GRCh37 (hg19) VCF-style: chr1-169512319-G-C.
Other names: short protein forms P670R.
Identifiers: ClinVar variation 3709131 (VCV003709131.2).